The following is an entry in ClinVar:

NM_001258392.3(CLPB):c.260C>T (p.Thr87Ile)

Genes: CLPB (ClpB family mitochondrial disaggregase; minus strand), LOC130006336 (ATAC-STARR-seq lymphoblastoid active region 5191; plus strand). Cytogenetic location: 11q13.4.
Variant type: single nucleotide variant.
Coding change: c.260C>T on transcript NM_001258392.3 (MANE Select); coding-DNA position 260, C replaced by T.
Protein change: p.Thr87Ile; replaces threonine 87 with isoleucine.
Molecular consequence: missense variant. On other transcripts: synonymous variant (1).
Genome position (GRCh38, 1-based): chr11:72,434,215, G>A on the plus strand (C>T on the coding strand, the complement: CLPB is on the minus strand). VCF-style: chr11-72434215-G-A. GRCh37 (hg19) VCF-style: chr11-72145259-G-A.
Other names: c.260C>T, p.Thr87Ile (NM_001258393.3, NM_030813.6); c.18C>T, p.His6= (NM_001258394.3); c.260C>T (NM_030813.3); short protein forms T87I.
Identifiers: ClinVar variation 572176 (VCV000572176.10), dbSNP rs1424542665, ClinGen allele CA381963134.

ClinVar aggregate classification (germline): Uncertain significance. Review status: criteria provided, multiple submitters, no conflicts (2 of 4 stars). 2 submissions from 2 submitters: Uncertain significance (2). Last evaluated 2025-04-23.

Conditions:
Inborn genetic diseases. Identifiers: MedGen C0950123, MeSH D030342.
3-methylglutaconic aciduria, type VIIB (MGCA7B). Also called: CLPB Deficiency; 3-methylglutaconic aciduria, type VII, with cataracts, neurologic involvement and neutropenia; 3-methylglutaconic aciduria with cataracts, neurologic involvement and neutropenia. Identifiers: Orphanet 445038, MedGen C5676893, MONDO:0014561, OMIM 616271.

Allele frequency attached by ClinVar (database versions not stated): TOPMed 0.00002; gnomAD exomes 0.00001.
gnomAD v4.1: 9 of 1,613,604 alleles (0.00056%); highest among the groups gnomAD compares: Non-Finnish European, 0.00076%; no homozygotes.

Submissions (2):

Labcorp Genetics (formerly Invitae), Labcorp
Classification: Uncertain significance for 3-methylglutaconic aciduria, type VIIB. Last evaluated: 2025-04-23. Review status: criteria provided, single submitter. Criteria: Invitae Variant Classification Sherloc (09022015). Collection method: clinical testing. Allele origin: germline.
Comment: This sequence change replaces threonine, which is neutral and polar, with isoleucine, which is neutral and non-polar, at codon 87 of the CLPB protein (p.Thr87Ile). This variant is not present in population databases (gnomAD no frequency). This variant has not been reported in the literature in individuals affected with CLPB-related conditions. ClinVar contains an entry for this variant (Variation ID: 572176). An algorithm developed to predict the effect of missense changes on protein structure and function outputs the following: PolyPhen-2: "Benign". The isoleucine amino acid residue is found in multiple mammalian species, which suggests that this missense change does not adversely affect protein function. In summary, the available evidence is currently insufficient to determine the role of this variant in disease. Therefore, it has been classified as a Variant of Uncertain Significance.

Ambry Genetics
Classification: Uncertain significance for Inborn genetic diseases. Last evaluated: 2024-12-23. Review status: criteria provided, single submitter. Criteria: Ambry Variant Classification Scheme 2023. Collection method: clinical testing. Allele origin: germline.